The following is an entry in ClinVar:

ClinVar aggregate classification (germline): Uncertain significance. Review status: criteria provided, multiple submitters, no conflicts (2 of 4 stars). 2 submissions from 2 submitters: Uncertain significance (2). Last evaluated 2026-02-11.

Conditions:
Pancytopenia-developmental delay syndrome. Also called: Bone marrow failure syndrome 2. Identifiers: Orphanet 401764, MedGen C3810350, MONDO:0014317, OMIM 615715.

Allele frequency attached by ClinVar (database versions not stated): gnomAD exomes below 0.00001.

Submissions (2):

St. Jude Molecular Pathology, St. Jude Children's Research Hospital
Classification: Uncertain significance for Pancytopenia-developmental delay syndrome. Last evaluated: 2026-02-11. Review status: criteria provided, single submitter. Criteria: St. Jude Assertion Criteria 2020. Collection method: clinical testing. Allele origin: germline.
Comment: The ERCC6L2 c.2278G>A p.(Glu760Lys) missense change is absent in gnomAD v2.1.1. In silico tools predict a benign effect on protein function, but this prediction has not been confirmed by functional studies. To our knowledge, this variant has not been reported in individuals with ERCC6L2-associated bone marrow failure syndrome. In summary, the evidence currently available is insufficient to determine the clinical significance of this variant. It has therefore been classified as of uncertain significance.

Labcorp Genetics (formerly Invitae), Labcorp
Classification: Uncertain significance. Last evaluated: 2023-04-24. Review status: criteria provided, single submitter. Criteria: Invitae Variant Classification Sherloc (09022015). Collection method: clinical testing. Allele origin: germline.
Comment: This sequence change replaces glutamic acid, which is acidic and polar, with lysine, which is basic and polar, at codon 760 of the ERCC6L2 protein (p.Glu760Lys). This variant is not present in population databases (gnomAD no frequency). In summary, the available evidence is currently insufficient to determine the role of this variant in disease. Therefore, it has been classified as a Variant of Uncertain Significance. Experimental studies and prediction algorithms are not available or were not evaluated, and the functional significance of this variant is currently unknown. This variant has not been reported in the literature in individuals affected with ERCC6L2-related conditions.

NM_020207.7(ERCC6L2):c.2245G>A (p.Glu749Lys)

Gene: ERCC6L2 (ERCC excision repair 6 like 2; plus strand). Cytogenetic location: 9q22.32.
Variant type: single nucleotide variant.
Coding change: c.2245G>A on transcript NM_020207.7 (MANE Select); coding-DNA position 2245, G replaced by A.
Protein change: p.Glu749Lys; replaces glutamic acid 749 with lysine.
Molecular consequence: missense variant. On other transcripts: non-coding transcript variant (1).
Genome position (GRCh38, 1-based): chr9:95,971,996, G>A. VCF-style: chr9-95971996-G-A. GRCh37 (hg19) VCF-style: chr9-98734278-G-A.
Other names: c.2245G>A, p.Glu749Lys (NM_001375291.1, NM_001375292.1, NM_001375293.1 and 1 more transcripts); c.2278G>A (NM_020207.5); short protein forms E749K.
Identifiers: ClinVar variation 3001234 (VCV003001234.4), dbSNP rs1012233901, ClinGen allele CA196597332.
Genomic context (GRCh38, chr9:95,971,996, plus strand): 5'-AGACAGCCTGACTGTCAGGAATGCAGAGGTACAGAACAAGCTGCAGAGCCACTGGCAAAG[G>A]AAGCATGTGATCTCTGCAGTGACTTCAGTGATGAAGAGCCAGTGGGAGCCACAGGAATAA-3'
Protein context (NP_064592.3, residues 739-759): TEQAAEPLAK[Glu749Lys]ACDLCSDFSD